The following is an entry in ClinVar:

NM_007272.3(CTRC):c.325G>A (p.Val109Ile)

Gene: CTRC (chymotrypsin C; plus strand). Cytogenetic location: 1p36.21.
Variant type: single nucleotide variant.
Coding change: c.325G>A on transcript NM_007272.3 (MANE Select); coding-DNA position 325, G replaced by A.
Protein change: p.Val109Ile; replaces valine 109 with isoleucine.
Molecular consequence: missense variant.
Genome position (GRCh38, 1-based): chr1:15,442,541, G>A. VCF-style: chr1-15442541-G-A. GRCh37 (hg19) VCF-style: chr1-15769037-G-A.
Other names: short protein forms V109I.
Identifiers: ClinVar variation 954004 (VCV000954004.12), dbSNP rs372127821, ClinGen allele CA613315.

ClinVar aggregate classification (germline): Uncertain significance. Review status: criteria provided, multiple submitters, no conflicts (2 of 4 stars). 2 submissions from 2 submitters: Uncertain significance (2). Last evaluated 2025-01-21.

Conditions:
Hereditary pancreatitis (PCTT). Also called: Hereditary chronic pancreatitis; PRSS1-Related Hereditary Pancreatitis. Identifiers: Orphanet 676, MedGen C0238339, MONDO:0008185, OMIM 167800.

Allele frequency attached by ClinVar (database versions not stated): gnomAD exomes below 0.00001 and 0.00001; ExAC 0.00001; gnomAD 0.00001; TOPMed 0.00002; ESP Exome Variant Server 0.00008.
gnomAD v4.1: 12 of 1,613,964 alleles (0.00074%); highest among the groups gnomAD compares: East Asian, 0.0022%; no homozygotes.

Submissions (2):

Ambry Genetics
Classification: Uncertain significance for Hereditary pancreatitis. Last evaluated: 2025-01-21. Review status: criteria provided, single submitter. Criteria: Ambry Variant Classification Scheme 2023. Collection method: clinical testing. Allele origin: germline.

Labcorp Genetics (formerly Invitae), Labcorp
Classification: Uncertain significance for Hereditary pancreatitis. Last evaluated: 2021-09-29. Review status: criteria provided, single submitter. Criteria: Invitae Variant Classification Sherloc (09022015). Collection method: clinical testing. Allele origin: germline.
Comment: In summary, the available evidence is currently insufficient to determine the role of this variant in disease. Therefore, it has been classified as a Variant of Uncertain Significance. Algorithms developed to predict the effect of missense changes on protein structure and function are either unavailable or do not agree on the potential impact of this missense change (SIFT: "Tolerated"; PolyPhen-2: "Probably Damaging"; Align-GVGD: "Class C0"). This variant has not been reported in the literature in individuals affected with CTRC-related conditions. This variant is present in population databases (rs372127821, ExAC 0.002%). This sequence change replaces valine with isoleucine at codon 109 of the CTRC protein (p.Val109Ile). The valine residue is highly conserved and there is a small physicochemical difference between valine and isoleucine.